The following is an entry in ClinVar:

ClinVar aggregate classification (germline): Uncertain significance. Review status: criteria provided, multiple submitters, no conflicts (2 of 4 stars). 3 submissions from 3 submitters: Uncertain significance (3). Last evaluated 2025-11-04.

Conditions:
Hereditary cancer-predisposing syndrome. Also called: Hereditary neoplastic syndrome; Tumor predisposition; Neoplastic Syndromes, Hereditary; Hereditary Cancer Syndrome. Identifiers: Orphanet 140162, MedGen C0027672, MeSH D009386, MONDO:0015356.
Haddad syndrome (OHD). Also called: Ondine-Hirschsprung disease. Identifiers: Orphanet 99803, MedGen C1859049, MONDO:0020493.

Allele frequency attached by ClinVar (database versions not stated): gnomAD exomes 0.00003.
gnomAD v4.1: 27 of 1,131,282 alleles (0.0024%); highest among the groups gnomAD compares: Non-Finnish European, 0.0029%; no homozygotes.

Submissions (3):

Ambry Genetics
Classification: Uncertain significance for Hereditary cancer-predisposing syndrome. Last evaluated: 2025-11-04. Review status: criteria provided, single submitter. Criteria: Ambry Variant Classification Scheme 2023. Collection method: clinical testing. Allele origin: germline.
Comment: The p.A248V variant (also known as c.743C>T), located in coding exon 3 of the PHOX2B gene, results from a C to T substitution at nucleotide position 743. The alanine at codon 248 is replaced by valine, an amino acid with similar properties. This amino acid position is conserved. In addition, this alteration is predicted to be tolerated by in silico analysis. Since supporting evidence is limited at this time, the clinical significance of this alteration remains unclear.

GeneDx
Classification: Uncertain significance. Last evaluated: 2024-02-02. Review status: criteria provided, single submitter. Criteria: GeneDx Variant Classification Process June 2021. Collection method: clinical testing. Allele origin: germline. Affected: yes.
Comment: Not observed at significant frequency in large population cohorts (gnomAD); In silico analysis supports that this missense variant does not alter protein structure/function; Has not been previously published as pathogenic or benign to our knowledge

Labcorp Genetics (formerly Invitae), Labcorp
Classification: Uncertain significance for Haddad syndrome. Last evaluated: 2023-09-11. Review status: criteria provided, single submitter. Criteria: Invitae Variant Classification Sherloc (09022015). Collection method: clinical testing. Allele origin: germline.
Comment: This sequence change replaces alanine, which is neutral and non-polar, with valine, which is neutral and non-polar, at codon 248 of the PHOX2B protein (p.Ala248Val). This variant is not present in population databases (gnomAD no frequency). This variant has not been reported in the literature in individuals affected with PHOX2B-related conditions. ClinVar contains an entry for this variant (Variation ID: 956928). Experimental studies and prediction algorithms are not available or were not evaluated, and the functional significance of this variant is currently unknown. In summary, the available evidence is currently insufficient to determine the role of this variant in disease. Therefore, it has been classified as a Variant of Uncertain Significance.

NM_003924.4(PHOX2B):c.743C>T (p.Ala248Val)

Genes: PHOX2B (paired like homeobox 2B; minus strand), LOC110011216 (paired like homeobox 2b polyalanine repeat instability region; plus strand). Cytogenetic location: 4p13.
Variant type: single nucleotide variant.
Coding change: c.743C>T on transcript NM_003924.4 (MANE Select); coding-DNA position 743, C replaced by T.
Protein change: p.Ala248Val; replaces alanine 248 with valine.
Molecular consequence: missense variant.
Genome position (GRCh38, 1-based): chr4:41,746,009, G>A on the plus strand (C>T on the coding strand, the complement: PHOX2B is on the minus strand). VCF-style: chr4-41746009-G-A. GRCh37 (hg19) VCF-style: chr4-41748026-G-A.
Other names: short protein forms A248V.
Identifiers: ClinVar variation 956928 (VCV000956928.7), dbSNP rs1733881041, ClinGen allele CA356737214.
Genomic context (GRCh38, chr4:41,746,009, plus strand): 5'-CCCCCAGCCGCAGCCAGGCCTCCAGCTGCCGCCGCTGCCGCTGCCGCCGCCGCCGCTGCC[G>A]CGGCCGCCGCCGCTGCTGCTGCGCCGCCCTTGCCGGGTTCGCCTCCCGGGCCCCCGGGCC-3'
Protein context (NP_003915.2, residues 238-258): KGGAAAAAAA[Ala248Val]AAAAAAAAAA